The following is an entry in ClinVar:

NM_003119.4(SPG7):c.1626T>A (p.Thr542=)

Gene: SPG7 (SPG7 matrix AAA peptidase subunit, paraplegin; plus strand). Cytogenetic location: 16q24.3.
Variant type: single nucleotide variant.
Coding change: c.1626T>A on transcript NM_003119.4 (MANE Select); coding-DNA position 1626, T replaced by A.
Protein change: p.Thr542=; no amino-acid change (threonine 542 retained).
Molecular consequence: synonymous variant.
Genome position (GRCh38, 1-based): chr16:89,548,076, T>A. VCF-style: chr16-89548076-T-A. GRCh37 (hg19) VCF-style: chr16-89614484-T-A.
Other names: p.Thr542=; c.1626T>A, p.Thr542= (NM_001363850.1).
Identifiers: ClinVar variation 1609824 (VCV001609824.9), dbSNP rs781398870, ClinGen allele CA8244287.
Genomic context (GRCh38, chr16:89,548,076, plus strand): 5'-CAACATCTGCAATGAGGCTGCGCTGCACGCGGCGCGGGAGGGACACACTTCCGTGCACAC[T>A]CTCAACTTCGAGTACGCCGTGGAGCGCGTCCTCGCAGGTACAGGGGGCGCGCCCTGGGTG-3'
Protein context (NP_003110.1, residues 532-552): AAREGHTSVH[Thr542=]LNFEYAVERV

ClinVar aggregate classification (germline): Likely benign. Review status: criteria provided, multiple submitters, no conflicts (2 of 4 stars). 2 submissions from 2 submitters: Likely benign (2). Last evaluated 2025-12-23.

Conditions:
Hereditary spastic paraplegia 7 (SPG7). Also called: SPASTIC PARAPLEGIA 7, AUTOSOMAL RECESSIVE, WITH OR WITHOUT CEREBELLAR ATAXIA; Spastic paraplegia 7; Hereditary spastic paraplegia Paraplegin type; Autosomal recessive spastic paraplegia type 7; SPG7-related neurologic disorder. Identifiers: Orphanet 99013, MedGen C1846564, MONDO:0011803, OMIM 607259.

Allele frequency attached by ClinVar (database versions not stated): gnomAD 0.00002 and 0.00003; gnomAD exomes 0.00002 and 0.00004; ExAC 0.00003; TOPMed 0.00006.
gnomAD v4.1: 16 of 1,609,788 alleles (0.00099%); highest among the groups gnomAD compares: Admixed American, 0.012%; no homozygotes.

Submissions (2):

Labcorp Genetics (formerly Invitae), Labcorp
Classification: Likely benign for Hereditary spastic paraplegia 7. Last evaluated: 2025-12-23. Review status: criteria provided, single submitter. Criteria: Invitae Variant Classification Sherloc (09022015). Collection method: clinical testing. Allele origin: germline.

Mayo Clinic Laboratories, Mayo Clinic
Classification: Likely benign. Last evaluated: 2025-10-22. Review status: criteria provided, single submitter. Criteria: ACMG Guidelines, 2015. Collection method: clinical testing. Allele origin: germline. Observed: 1 variant allele.
Comment: BP4, BP7